The following is an entry in ClinVar:

ClinVar aggregate classification (germline): Uncertain significance. Review status: criteria provided, multiple submitters, no conflicts (2 of 4 stars). 2 submissions from 2 submitters: Uncertain significance (2). Last evaluated 2025-05-26.

Conditions:
Cardiovascular phenotype. Identifiers: MedGen CN230736.
Long QT syndrome (LQTS). Identifiers: MedGen C0023976, MeSH D008133, MONDO:0002442. Disease mechanism: loss of function. Inheritance: Various modes of inheritance.

Allele frequency attached by ClinVar (database versions not stated): gnomAD 0.00001.
gnomAD v4.1: 3 of 1,613,974 alleles (0.00019%); highest among the groups gnomAD compares: African/African-American, 0.0013%; no homozygotes.

Submissions (2):

Ambry Genetics
Classification: Uncertain significance for Cardiovascular phenotype. Last evaluated: 2025-05-26. Review status: criteria provided, single submitter. Criteria: Ambry Variant Classification Scheme 2023. Collection method: clinical testing. Allele origin: germline.
Comment: The p.Q3687H variant (also known as c.11061A>C), located in coding exon 45 of the AKAP9 gene, results from an A to C substitution at nucleotide position 11061. The glutamine at codon 3687 is replaced by histidine, an amino acid with highly similar properties. This amino acid position is conserved. In addition, this alteration is predicted to be tolerated by in silico analysis. Since supporting evidence is limited at this time, the clinical significance of this alteration remains unclear.

Labcorp Genetics (formerly Invitae), Labcorp
Classification: Uncertain significance for Long QT syndrome. Last evaluated: 2024-06-01. Review status: criteria provided, single submitter. Criteria: Invitae Variant Classification Sherloc (09022015). Collection method: clinical testing. Allele origin: germline.
Comment: This sequence change replaces glutamine, which is neutral and polar, with histidine, which is basic and polar, at codon 3687 of the AKAP9 protein (p.Gln3687His). This variant is present in population databases (no rsID available, gnomAD 0.004%). This variant has not been reported in the literature in individuals affected with AKAP9-related conditions. ClinVar contains an entry for this variant (Variation ID: 2449752). Algorithms developed to predict the effect of missense changes on protein structure and function output the following: SIFT: "Not Available"; PolyPhen-2: "Benign"; Align-GVGD: "Not Available". The histidine amino acid residue is found in multiple mammalian species, which suggests that this missense change does not adversely affect protein function. In summary, the available evidence is currently insufficient to determine the role of this variant in disease. Therefore, it has been classified as a Variant of Uncertain Significance.

NM_005751.5(AKAP9):c.11061A>C (p.Gln3687His)

Gene: AKAP9 (A-kinase anchoring protein 9; plus strand). Cytogenetic location: 7q21.2.
Variant type: single nucleotide variant.
Coding change: c.11061A>C on transcript NM_005751.5 (MANE Select); coding-DNA position 11061, A replaced by C.
Protein change: p.Gln3687His; replaces glutamine 3687 with histidine.
Molecular consequence: missense variant.
Genome position (GRCh38, 1-based): chr7:92,101,020, A>C. VCF-style: chr7-92101020-A-C. GRCh37 (hg19) VCF-style: chr7-91730334-A-C.
Other names: c.5706A>C, p.Gln1902His (NM_001379277.1); c.11037A>C, p.Gln3679His (NM_147185.3); short protein forms Q1902H, Q3687H, Q3679H.
Identifiers: ClinVar variation 2449752 (VCV002449752.5), dbSNP rs1283297655, ClinGen allele CA368160594.
Genomic context (GRCh38, chr7:92,101,020, plus strand): 5'-AAGGGCAGAGGCTGAAGTATACAAACTGAAAGCTGAACTAAGAAATGACTCTTTACTTCA[A>C]ACTCTGAGCCCTGATTCTGAACATGTCACTTTAAAGGTAGGAGACATCTCCCATCTAAAC-3'
Protein context (NP_005742.4, residues 3677-3697): KAELRNDSLL[Gln3687His]TLSPDSEHVT